The following is an entry in ClinVar:

ClinVar aggregate classification (germline): Uncertain significance (1 of 4 stars; one submission).

Conditions:
Distal hereditary motor neuropathy type 2. Identifiers: Orphanet 139525, MedGen C3711384, MeSH C580044, MONDO:0015352.

Allele frequency attached by ClinVar (database versions not stated): gnomAD exomes below 0.00001.
gnomAD v4.1: 5 of 1,614,068 alleles (0.00031%); highest among the groups gnomAD compares: South Asian, 0.0011%; no homozygotes.

Submission:

Labcorp Genetics (formerly Invitae), Labcorp
Classification: Uncertain significance for Distal hereditary motor neuropathy type 2. Last evaluated: 2024-05-06. Review status: criteria provided, single submitter. Criteria: Invitae Variant Classification Sherloc (09022015). Collection method: clinical testing. Allele origin: germline.
Comment: This sequence change replaces tyrosine, which is neutral and polar, with cysteine, which is neutral and slightly polar, at codon 900 of the FBXO38 protein (p.Tyr900Cys). This variant is not present in population databases (gnomAD no frequency). This variant has not been reported in the literature in individuals affected with FBXO38-related conditions. An algorithm developed to predict the effect of missense changes on protein structure and function (PolyPhen-2) suggests that this variant is likely to be disruptive. In summary, the available evidence is currently insufficient to determine the role of this variant in disease. Therefore, it has been classified as a Variant of Uncertain Significance.

NM_205836.3(FBXO38):c.2924A>G (p.Tyr975Cys)

Gene: FBXO38 (F-box protein 38; plus strand). Cytogenetic location: 5q32.
Variant type: single nucleotide variant.
Coding change: c.2924A>G on transcript NM_205836.3 (MANE Select); coding-DNA position 2924, A replaced by G.
Protein change: p.Tyr975Cys; replaces tyrosine 975 with cysteine.
Molecular consequence: missense variant.
Genome position (GRCh38, 1-based): chr5:148,438,398, A>G. VCF-style: chr5-148438398-A-G. GRCh37 (hg19) VCF-style: chr5-147817961-A-G.
Other names: c.2189A>G, p.Tyr730Cys (NM_001271723.2); c.2699A>G, p.Tyr900Cys (NM_030793.5); short protein forms Y900C, Y975C, Y730C.
Identifiers: ClinVar variation 2917661 (VCV002917661.3), dbSNP rs977679059, ClinGen allele CA128955567.